The following is an entry in ClinVar:

ClinVar aggregate classification (germline): Uncertain significance (1 of 4 stars; one submission).

Allele frequency attached by ClinVar (database versions not stated): gnomAD exomes 0.00001.
gnomAD v4.1: 3 of 1,202,060 alleles (0.00025%); highest among the groups gnomAD compares: Non-Finnish European, 0.00034%; no homozygotes.

Submission:

GeneDx
Classification: Uncertain significance. Last evaluated: 2020-01-17. Review status: criteria provided, single submitter. Criteria: GeneDx Variant Classification Process June 2021. Collection method: clinical testing. Allele origin: germline. Affected: yes.
Comment: In silico analysis, which includes protein predictors and evolutionary conservation, supports that this variant does not alter protein structure/function; Has not been previously published as pathogenic or benign to our knowledge

NM_153252.5(BRWD3):c.5081G>A (p.Arg1694Gln)

Gene: BRWD3 (bromodomain and WD repeat domain containing 3; minus strand). Cytogenetic location: Xq21.1.
Variant type: single nucleotide variant.
Coding change: c.5081G>A on transcript NM_153252.5 (MANE Select); coding-DNA position 5081, G replaced by A.
Protein change: p.Arg1694Gln; replaces arginine 1694 with glutamine.
Molecular consequence: missense variant.
Genome position (GRCh38, 1-based): chrX:80,676,937, C>T on the plus strand (G>A on the coding strand, the complement: BRWD3 is on the minus strand). VCF-style: chrX-80676937-C-T. GRCh37 (hg19) VCF-style: chrX-79932436-C-T.
Other names: short protein forms R1694Q.
Identifiers: ClinVar variation 1194742 (VCV001194742.2), dbSNP rs1332082581, ClinGen allele CA413746621.